The following is an entry in ClinVar:

ClinVar aggregate classification (germline): Benign/Likely benign. Review status: criteria provided, multiple submitters, no conflicts (2 of 4 stars). 12 submissions from 12 submitters: Benign (6); Likely benign (5). 1 of the submissions does not count toward it. Last evaluated 2026-08-01.

Conditions:
Atypical hemolytic-uremic syndrome. Identifiers: Orphanet 2134, MedGen C2931788, MONDO:0016244.
Kidney disorder. Also called: Kidney disease; Kidney Diseases; renal disorder; renal disease; Nephropathy. Identifiers: MedGen C0022658, MONDO:0005240, HP:0000112.
Atypical hemolytic-uremic syndrome with MCP/CD46 anomaly. Also called: HEMOLYTIC UREMIC SYNDROME, ATYPICAL, SUSCEPTIBILITY TO, 2; AHUS, SUSCEPTIBILITY TO, 2. Identifiers: Orphanet 2134, MedGen C2752040, MONDO:0013040, OMIM 612922.

Allele frequency attached by ClinVar (database versions not stated): 1000 Genomes Project 0.00359; 1000 Genomes Project 30x 0.00359; TOPMed 0.00542; gnomAD 0.00581 and 0.00583; ESP Exome Variant Server 0.00608; gnomAD exomes 0.00666 and 0.00735; ExAC 0.00782.
gnomAD v4.1: 11,451 of 1,595,512 alleles (0.72%); highest among the groups gnomAD compares: Non-Finnish European, 0.82%; 51 homozygotes.

Submissions (12):

CeGaT Center for Human Genetics Tuebingen
Classification: Likely benign. Last evaluated: 2026-08-01. Review status: criteria provided, single submitter. Criteria: CeGaT Center For Human Genetics Tuebingen Variant Classification Criteria Version 2. Collection method: clinical testing. Allele origin: germline. Affected: yes. Observed: 7 variant alleles.
Comment: CD46: BP4, BP7, BS2

Labcorp Genetics (formerly Invitae), Labcorp
Classification: Benign. Last evaluated: 2026-02-03. Review status: criteria provided, single submitter. Criteria: Invitae Variant Classification Sherloc (09022015). Collection method: clinical testing. Allele origin: germline.

Genomenon, Inc
Classification: Benign for Atypical hemolytic-uremic syndrome. Last evaluated: 2025-10-02. Review status: criteria provided, single submitter. Criteria: Genomenon Sequence Variant Interpretation Standards. Collection method: curation. Allele origin: germline. Affected: no.
Comment: CD46 p.Leu139= (c.417A>G) is a synonymous variant that retains Leucine at residue 139. This variant has been reported in the published literature (PMID:20595690;15661753). This variant is present at high allele frequency in population databases. In conclusion, we classify CD46 p.Leu139= (c.417A>G) as a benign variant.

Blueprint Genetics
Classification: Likely benign. Last evaluated: 2024-11-23. Review status: criteria provided, single submitter. Criteria: ACMG Guidelines, 2015. Collection method: clinical testing. Allele origin: germline.

Mayo Clinic Laboratories, Mayo Clinic
Classification: Benign. Last evaluated: 2024-02-09. Review status: criteria provided, single submitter. Criteria: ACMG Guidelines, 2015. Collection method: clinical testing. Allele origin: germline. Observed: 42 variant alleles.
Comment: BS1, BS2, BP4, BP7

Women's Health and Genetics/Laboratory Corporation of America, LabCorp
Classification: Benign. Last evaluated: 2021-07-08. Review status: criteria provided, single submitter. Criteria: LabCorp Variant Classification Summary - May 2015. Collection method: clinical testing. Allele origin: germline.

Genome Diagnostics Laboratory, The Hospital for Sick Children
Classification: Likely benign for Kidney disorder. Last evaluated: 2020-11-10. Review status: criteria provided, single submitter. Criteria: ACMG Guidelines, 2015. Collection method: clinical testing. Allele origin: germline.

Illumina Laboratory Services, Illumina
Classification: Likely benign for Atypical hemolytic-uremic syndrome with MCP/CD46 anomaly. Last evaluated: 2018-01-12. Review status: criteria provided, single submitter. Criteria: ICSL Variant Classification Criteria 13 December 2019. Collection method: clinical testing. Allele origin: germline.
Comment: This variant was observed in the ICSL laboratory as part of a predisposition screen in an ostensibly healthy population. It had not been previously curated by ICSL or reported in the Human Gene Mutation Database (HGMD: prior to June 1st, 2018), and was therefore a candidate for classification through an automated scoring system. Utilizing variant allele frequency, disease prevalence and penetrance estimates, and inheritance mode, an automated score was calculated to assess if this variant is too frequent to cause the disease. Based on the score and internal cut-off values, a variant classified as likely benign is not then subjected to further curation. The score for this variant resulted in a classification of likely benign for this disease.

Clinical Genetics DNA and cytogenetics Diagnostics Lab, Erasmus MC, Erasmus Medical Center
Classification: Benign for Atypical hemolytic-uremic syndrome with MCP/CD46 anomaly. Last evaluated: 2017-06-28. Review status: criteria provided, single submitter. Criteria: ACGS Guidelines, 2013. Collection method: clinical testing. Allele origin: germline. Affected: yes. Study: VKGL Data-share Consensus.

Genome Diagnostics Laboratory, University Medical Center Utrecht
Classification: Benign for Atypical hemolytic-uremic syndrome with MCP/CD46 anomaly. Last evaluated: 2015-07-22. Review status: criteria provided, single submitter. Criteria: ACGS Guidelines, 2013. Collection method: clinical testing. Allele origin: germline. Affected: yes. Study: VKGL Data-share Consensus.

Breakthrough Genomics
Classification: Likely benign. Review status: criteria provided, single submitter. Criteria: ACMG Guidelines, 2015. Collection method: not provided. Allele origin: germline. Inheritance: Autosomal recessive inheritance. Affected: yes.

Joint Genome Diagnostic Labs from Nijmegen and Maastricht, Radboudumc and MUMC+
Classification: Benign. Review status: no assertion criteria provided. Collection method: clinical testing. Allele origin: germline. Affected: yes. Study: VKGL Data-share Consensus. Not counted in ClinVar's aggregate classification.

Literature cited by the submitters: PubMed 20595690 (cited by Genomenon, Inc); PubMed 15661753 (cited by Genomenon, Inc).

NM_172351.3(CD46):c.417A>G (p.Leu139=)

Gene: CD46 (CD46 molecule; plus strand). Cytogenetic location: 1q32.2.
Variant type: single nucleotide variant.
Coding change: c.417A>G on transcript NM_172351.3 (MANE Select); coding-DNA position 417, A replaced by G.
Protein change: p.Leu139=; no amino-acid change (leucine 139 retained).
Molecular consequence: synonymous variant.
Genome position (GRCh38, 1-based): chr1:207,759,666, A>G. VCF-style: chr1-207759666-A-G. GRCh37 (hg19) VCF-style: chr1-207933011-A-G.
Other names: p.Leu139=; c.417A>G, p.Leu139= (LRG_155t1, NM_002389.4, NM_153826.4 and 9 more transcripts).
Identifiers: ClinVar variation 522216 (VCV000522216.48), dbSNP rs12126088, ClinGen allele CA1371623.